The following is an entry in ClinVar:

ClinVar aggregate classification (germline): Uncertain significance. Review status: criteria provided, multiple submitters, no conflicts (2 of 4 stars). 4 submissions from 4 submitters: Uncertain significance (4). Last evaluated 2025-08-17.

Conditions:
Dilated cardiomyopathy 1DD (CMD1DD). Identifiers: Orphanet 154, MedGen C2750995, MONDO:0013168, OMIM 613172.
Cardiovascular phenotype. Identifiers: MedGen CN230736.
Cardiomyopathy (CMYO). Also called: Cardiomyopathies. Identifiers: Orphanet 167848, MedGen C0878544, MONDO:0004994, HP:0001638. Inheritance: Various modes of inheritance.

Allele frequency attached by ClinVar (database versions not stated): gnomAD exomes 0.00001 and 0.00003; gnomAD 0.00008 and 0.00009; ExAC 0.00009; TOPMed 0.00010; 1000 Genomes Project 30x 0.00078; 1000 Genomes Project 0.00080.
gnomAD v4.1: 31 of 1,551,504 alleles (0.002%); highest among the groups gnomAD compares: African/African-American, 0.04%; no homozygotes.

Submissions (4):

Labcorp Genetics (formerly Invitae), Labcorp
Classification: Uncertain significance for Dilated cardiomyopathy 1DD. Last evaluated: 2025-08-17. Review status: criteria provided, single submitter. Criteria: Invitae Variant Classification Sherloc (09022015). Collection method: clinical testing. Allele origin: germline.
Comment: This sequence change replaces aspartic acid, which is acidic and polar, with asparagine, which is neutral and polar, at codon 620 of the RBM20 protein (p.Asp620Asn). This variant is present in population databases (rs541330074, gnomAD 0.03%). This variant has not been reported in the literature in individuals affected with RBM20-related conditions. ClinVar contains an entry for this variant (Variation ID: 470591). Invitae Evidence Modeling of protein sequence and biophysical properties (such as structural, functional, and spatial information, amino acid conservation, physicochemical variation, residue mobility, and thermodynamic stability) has been performed for this missense variant. However, the output from this modeling did not meet the statistical confidence thresholds required to predict the impact of this variant on RBM20 protein function. In summary, the available evidence is currently insufficient to determine the role of this variant in disease. Therefore, it has been classified as a Variant of Uncertain Significance.

Ambry Genetics
Classification: Uncertain significance for Cardiovascular phenotype. Last evaluated: 2024-08-15. Review status: criteria provided, single submitter. Criteria: Ambry Variant Classification Scheme 2023. Collection method: clinical testing. Allele origin: germline.
Comment: The p.D620N variant (also known as c.1858G>A), located in coding exon 8 of the RBM20 gene, results from a G to A substitution at nucleotide position 1858. The aspartic acid at codon 620 is replaced by asparagine, an amino acid with highly similar properties. This amino acid position is well conserved in available vertebrate species. In addition, this alteration is predicted to be tolerated by in silico analysis. Based on the available evidence, the clinical significance of this variant remains unclear.

Fulgent Genetics
Classification: Uncertain significance for Dilated cardiomyopathy 1DD. Last evaluated: 2021-10-13. Review status: criteria provided, single submitter. Criteria: ACMG Guidelines, 2015. Collection method: clinical testing. Allele origin: unknown.

CHEO Genetics Diagnostic Laboratory, Children's Hospital of Eastern Ontario
Classification: Uncertain significance for Cardiomyopathy. Last evaluated: 2017-09-13. Review status: criteria provided, single submitter. Criteria: ACMG Guidelines, 2015. Collection method: clinical testing. Allele origin: germline. Study: Canadian Open Genetics Repository.

NM_001134363.3(RBM20):c.1858G>A (p.Asp620Asn)

Gene: RBM20 (RNA binding motif protein 20; plus strand). Cytogenetic location: 10q25.2.
Variant type: single nucleotide variant.
Coding change: c.1858G>A on transcript NM_001134363.3 (MANE Select); coding-DNA position 1858, G replaced by A.
Protein change: p.Asp620Asn; replaces aspartic acid 620 with asparagine.
Molecular consequence: missense variant.
Genome position (GRCh38, 1-based): chr10:110,810,440, G>A. VCF-style: chr10-110810440-G-A. GRCh37 (hg19) VCF-style: chr10-112570198-G-A.
Other names: c.1858G>A (LRG_382t1); short protein forms D620N.
Identifiers: ClinVar variation 470591 (VCV000470591.15), dbSNP rs541330074, ClinGen allele CA5688638.